The following is an entry in ClinVar:

NM_024989.4(PGAP1):c.2408G>A (p.Arg803His)

Gene: PGAP1 (post-GPI attachment to proteins inositol deacylase 1; minus strand). Cytogenetic location: 2q33.1.
Variant type: single nucleotide variant.
Coding change: c.2408G>A on transcript NM_024989.4 (MANE Select); coding-DNA position 2408, G replaced by A.
Protein change: p.Arg803His; replaces arginine 803 with histidine.
Molecular consequence: missense variant.
Genome position (GRCh38, 1-based): chr2:196,844,005, C>T on the plus strand (G>A on the coding strand, the complement: PGAP1 is on the minus strand). VCF-style: chr2-196844005-C-T. GRCh37 (hg19) VCF-style: chr2-197708729-C-T.
Other names: c.1886G>A, p.Arg629His (NM_001321099.2); c.1241G>A, p.Arg414His (NM_001321100.2); short protein forms R803H, R414H, R629H.
Identifiers: ClinVar variation 436289 (VCV000436289.10), dbSNP rs745554603, ClinGen allele CA2040632.

ClinVar aggregate classification (germline): Uncertain significance. Review status: criteria provided, multiple submitters, no conflicts (2 of 4 stars). 3 submissions from 3 submitters: Uncertain significance (3). Last evaluated 2025-11-03.

Conditions:
Inborn genetic diseases. Identifiers: MedGen C0950123, MeSH D030342.
Intellectual disability, autosomal recessive 42 (NEDDSBA). Also called: GLYCOSYLPHOSPHATIDYLINOSITOL BIOSYNTHESIS DEFECT 9; Neurodevelopmental disorder with dysmorphic features, spasticity, and brain abnormalities. Identifiers: Orphanet 88616, MedGen C4014343, MONDO:0014348, OMIM 615802.

Allele frequency attached by ClinVar (database versions not stated): gnomAD 0.00001; TOPMed 0.00001; gnomAD exomes 0.00003 and 0.00004; ExAC 0.00007.
gnomAD v4.1: 44 of 1,608,132 alleles (0.0027%); highest among the groups gnomAD compares: Middle Eastern, 0.12%; no homozygotes.

Submissions (3):

Labcorp Genetics (formerly Invitae), Labcorp
Classification: Uncertain significance for Intellectual disability, autosomal recessive 42. Last evaluated: 2025-11-03. Review status: criteria provided, single submitter. Criteria: Invitae Variant Classification Sherloc (09022015). Collection method: clinical testing. Allele origin: germline.
Comment: This sequence change replaces arginine, which is basic and polar, with histidine, which is basic and polar, at codon 803 of the PGAP1 protein (p.Arg803His). This variant is present in population databases (rs745554603, gnomAD 0.006%). This variant has not been reported in the literature in individuals affected with PGAP1-related conditions. ClinVar contains an entry for this variant (Variation ID: 436289). An algorithm developed to predict the effect of missense changes on protein structure and function outputs the following: PolyPhen-2: "Benign". The histidine amino acid residue is found in multiple mammalian species, which suggests that this missense change does not adversely affect protein function. In summary, the available evidence is currently insufficient to determine the role of this variant in disease. Therefore, it has been classified as a Variant of Uncertain Significance.

Ambry Genetics
Classification: Uncertain significance for Inborn genetic diseases. Last evaluated: 2025-08-31. Review status: criteria provided, single submitter. Criteria: Ambry Variant Classification Scheme 2023. Collection method: clinical testing. Allele origin: germline.

Genetic Services Laboratory, University of Chicago
Classification: Uncertain significance. Last evaluated: 2016-03-25. Review status: criteria provided, single submitter. Criteria: ACMG Guidelines, 2015. Collection method: clinical testing. Allele origin: germline. Affected: no.